The following is an entry in ClinVar:

NM_000051.4(ATM):c.835A>T (p.Ile279Phe)

Gene: ATM (ATM serine/threonine kinase; plus strand). Cytogenetic location: 11q22.3.
Variant type: single nucleotide variant.
Coding change: c.835A>T on transcript NM_000051.4 (MANE Select); coding-DNA position 835, A replaced by T.
Protein change: p.Ile279Phe; replaces isoleucine 279 with phenylalanine.
Molecular consequence: missense variant.
Genome position (GRCh38, 1-based): chr11:108,244,960, A>T. VCF-style: chr11-108244960-A-T. GRCh37 (hg19) VCF-style: chr11-108115687-A-T.
Other names: c.835A>T, p.Ile279Phe (NM_001351834.2); short protein forms I279F.
Identifiers: ClinVar variation 1763070 (VCV001763070.2), dbSNP rs1555067210, ClinGen allele CA382529447.

ClinVar aggregate classification (germline): Uncertain significance (1 of 4 stars; one submission).

Conditions:
Hereditary cancer-predisposing syndrome. Also called: Neoplastic Syndromes, Hereditary; Tumor predisposition; Hereditary Cancer Syndrome; Hereditary neoplastic syndrome. Identifiers: Orphanet 140162, MedGen C0027672, MeSH D009386, MONDO:0015356.

Submission:

Ambry Genetics
Classification: Uncertain significance for Hereditary cancer-predisposing syndrome. Last evaluated: 2021-04-08. Review status: criteria provided, single submitter. Criteria: Ambry Variant Classification Scheme 2023. Collection method: clinical testing. Allele origin: germline.
Comment: The p.I279F variant (also known as c.835A>T), located in coding exon 6 of the ATM gene, results from an A to T substitution at nucleotide position 835. The isoleucine at codon 279 is replaced by phenylalanine, an amino acid with highly similar properties. This amino acid position is well conserved in available vertebrate species. In addition, this alteration is predicted to be tolerated by in silico analysis. Since supporting evidence is limited at this time, the clinical significance of this alteration remains unclear.